The following is an entry in ClinVar:

ClinVar aggregate classification (germline): Benign/Likely benign. Review status: criteria provided, multiple submitters, no conflicts (2 of 4 stars). 5 submissions from 5 submitters: Benign (4); Likely benign (1). Last evaluated 2026-01-21.

Allele frequency attached by ClinVar (database versions not stated): gnomAD 0.13005 and 0.13447; 1000 Genomes Project 30x 0.13335; gnomAD exomes 0.14432; ExAC 0.19290.
gnomAD v4.1: 215,444 of 1,504,516 alleles (14%); highest among the groups gnomAD compares: East Asian, 33%; 103 homozygotes.

Submissions (5):

Women's Health and Genetics/Laboratory Corporation of America, LabCorp
Classification: Likely benign. Last evaluated: 2026-01-21. Review status: criteria provided, single submitter. Criteria: LabCorp Variant Classification Summary - May 2015. Collection method: clinical testing. Allele origin: germline.

Mayo Clinic Laboratories, Mayo Clinic
Classification: Benign. Last evaluated: 2024-09-27. Review status: criteria provided, single submitter. Criteria: ACMG Guidelines, 2015. Collection method: clinical testing. Allele origin: germline. Observed: 857 variant alleles.
Comment: BA1, BS2, BP4, BP7

GeneDx
Classification: Benign. Last evaluated: 2018-11-10. Review status: criteria provided, single submitter. Criteria: GeneDx Variant Classification Process June 2021. Collection method: clinical testing. Allele origin: germline. Affected: yes.

Labcorp Genetics (formerly Invitae), Labcorp
Classification: Benign. Last evaluated: 2017-10-17. Review status: criteria provided, single submitter. Criteria: Invitae Variant Classification Sherloc (09022015). Collection method: clinical testing. Allele origin: germline.

Breakthrough Genomics
Classification: Benign. Review status: criteria provided, single submitter. Criteria: ACMG Guidelines, 2015. Collection method: not provided. Allele origin: germline. Inheritance: Unknown mechanism. Affected: yes.

NM_001201550.3(CFHR4):c.1530A>T (p.Pro510=)

Gene: CFHR4 (complement factor H related 4; plus strand). Cytogenetic location: 1q31.3.
Variant type: single nucleotide variant.
Coding change: c.1530A>T on transcript NM_001201550.3 (MANE Select); coding-DNA position 1530, A replaced by T.
Protein change: p.Pro510=; no amino-acid change (proline 510 retained).
Molecular consequence: synonymous variant.
Genome position (GRCh38, 1-based): chr1:196,915,128, A>T. VCF-style: chr1-196915128-A-T. GRCh37 (hg19) VCF-style: chr1-196884258-A-T.
Other names: p.Pro509=; c.1527A>T, p.Pro509= (NM_001201551.2); c.789A>T, p.Pro263= (NM_006684.5).
Identifiers: ClinVar variation 769252 (VCV000769252.7), dbSNP rs150845796, ClinGen allele CA1307194.